The following is an entry in ClinVar:

NM_003742.4(ABCB11):c.1649C>A (p.Thr550Asn)

Gene: ABCB11 (ATP binding cassette subfamily B member 11; minus strand). Cytogenetic location: 2q31.1.
Variant type: single nucleotide variant.
Coding change: c.1649C>A on transcript NM_003742.4 (MANE Select); coding-DNA position 1649, C replaced by A.
Protein change: p.Thr550Asn; replaces threonine 550 with asparagine.
Molecular consequence: missense variant.
Genome position (GRCh38, 1-based): chr2:168,970,205, G>T on the plus strand (C>A on the coding strand, the complement: ABCB11 is on the minus strand). VCF-style: chr2-168970205-G-T. GRCh37 (hg19) VCF-style: chr2-169826715-G-T.
Other names: c.1649C>A, p.Thr550Asn (LRG_1199t1); short protein forms T550N.
Identifiers: ClinVar variation 502740 (VCV000502740.8), dbSNP rs757224691, ClinGen allele CA1951486.

ClinVar aggregate classification (germline): Uncertain significance. Review status: criteria provided, multiple submitters, no conflicts (2 of 4 stars). 2 submissions from 2 submitters: Uncertain significance (2). Last evaluated 2023-10-14.

Allele frequency attached by ClinVar (database versions not stated): gnomAD exomes below 0.00001; ExAC 0.00001.
gnomAD v4.1: 3 of 1,611,444 alleles (0.00019%); highest among the groups gnomAD compares: Non-Finnish European, 0.00025%; no homozygotes.

Submissions (2):

Labcorp Genetics (formerly Invitae), Labcorp
Classification: Uncertain significance. Last evaluated: 2023-10-14. Review status: criteria provided, single submitter. Criteria: Invitae Variant Classification Sherloc (09022015). Collection method: clinical testing. Allele origin: germline.
Comment: This sequence change replaces threonine, which is neutral and polar, with asparagine, which is neutral and polar, at codon 550 of the ABCB11 protein (p.Thr550Asn). This variant is present in population databases (rs757224691, gnomAD 0.0009%). This variant has not been reported in the literature in individuals affected with ABCB11-related conditions. ClinVar contains an entry for this variant (Variation ID: 502740). Advanced modeling of protein sequence and biophysical properties (such as structural, functional, and spatial information, amino acid conservation, physicochemical variation, residue mobility, and thermodynamic stability) has been performed at Invitae for this missense variant, however the output from this modeling did not meet the statistical confidence thresholds required to predict the impact of this variant on ABCB11 protein function. In summary, the available evidence is currently insufficient to determine the role of this variant in disease. Therefore, it has been classified as a Variant of Uncertain Significance.

Eurofins Ntd Llc (ga)
Classification: Uncertain significance. Last evaluated: 2017-06-27. Review status: criteria provided, single submitter. Criteria: EGL Classification Definitions 2015. Collection method: clinical testing. Allele origin: germline. Observed: 1 variant allele, 1 heterozygote.